The following is an entry in ClinVar:

NM_000135.4(FANCA):c.3346A>G (p.Met1116Val)

Gene: FANCA (FA complementation group A; minus strand). Cytogenetic location: 16q24.3.
Variant type: single nucleotide variant.
Coding change: c.3346A>G on transcript NM_000135.4 (MANE Select); coding-DNA position 3346, A replaced by G.
Protein change: p.Met1116Val; replaces methionine 1116 with valine.
Molecular consequence: missense variant.
Genome position (GRCh38, 1-based): chr16:89,748,661, T>C on the plus strand (A>G on the coding strand, the complement: FANCA is on the minus strand). VCF-style: chr16-89748661-T-C. GRCh37 (hg19) VCF-style: chr16-89815069-T-C.
Other names: c.3346A>G, p.Met1116Val (NM_001286167.3); short protein forms M1116V.
Identifiers: ClinVar variation 4254218 (VCV004254218.1).

ClinVar aggregate classification (germline): Uncertain significance (1 of 4 stars; one submission).

Conditions:
Inborn genetic diseases. Identifiers: MedGen C0950123, MeSH D030342.

Submission:

Ambry Genetics
Classification: Uncertain significance for Inborn genetic diseases. Last evaluated: 2025-07-20. Review status: criteria provided, single submitter. Criteria: Ambry Variant Classification Scheme 2023. Collection method: clinical testing. Allele origin: germline.
Comment: The p.M1116V variant (also known as c.3346A>G), located in coding exon 33 of the FANCA gene, results from an A to G substitution at nucleotide position 3346. The methionine at codon 1116 is replaced by valine, an amino acid with highly similar properties. This amino acid position is conserved. In addition, this alteration is predicted to be tolerated by in silico analysis. Based on the available evidence, the clinical significance of this variant remains unclear.